The following is an entry in ClinVar:

ClinVar aggregate classification (germline): Pathogenic (1 of 4 stars; one submission).

Conditions:
Werner syndrome (WRN). Identifiers: Orphanet 902, MedGen C0043119, MONDO:0010196, OMIM 277700.

Allele frequency attached by ClinVar (database versions not stated): gnomAD exomes below 0.00001.

Submission:

Labcorp Genetics (formerly Invitae), Labcorp
Classification: Pathogenic for Werner syndrome. Last evaluated: 2023-07-28. Review status: criteria provided, single submitter. Criteria: Invitae Variant Classification Sherloc (09022015). Collection method: clinical testing. Allele origin: germline.
Comment: This variant has not been reported in the literature in individuals affected with WRN-related conditions. For these reasons, this variant has been classified as Pathogenic. ClinVar contains an entry for this variant (Variation ID: 864323). This variant is not present in population databases (gnomAD no frequency). This sequence change creates a premature translational stop signal (p.Leu787Profs*15) in the WRN gene. It is expected to result in an absent or disrupted protein product. Loss-of-function variants in WRN are known to be pathogenic (PMID: 16673358).

Literature cited by the submitters: PubMed 16673358.

NM_000553.6(WRN):c.2359dup (p.Leu787fs)

Gene: WRN (WRN RecQ like helicase; plus strand). Cytogenetic location: 8p12.
Variant type: Duplication.
Coding change: c.2359dup on transcript NM_000553.6 (MANE Select); coding-DNA position 2359, one base duplicated (C; older notation c.2359dupC).
Protein change: p.Leu787fs; shifts the reading frame from leucine 787.
Molecular consequence: frameshift variant.
Genome position (GRCh38, 1-based): chr8:31,116,439, C duplicated. VCF-style (leftmost placement, unchanged base first): chr8-31116438-A-AC. GRCh37 (hg19) VCF-style: chr8-30973954-A-AC.
Other names: short protein forms L787fs.
Identifiers: ClinVar variation 864323 (VCV000864323.6), dbSNP rs1801522729, ClinGen allele CA916081499.
Genomic context (GRCh38, chr8:31,116,438, plus strand): 5'-AACAATCATCTACTGTCCTTCTAGAAAAATGACACAACAAGTTACAGGTGAACTTAGGAA[A>AC]CTGAATCTATCCTGTGGAACATACCATGCGGGCATGAGTTTTAGCACAAGGAAAGACATT-3'